The following continues an entry in ClinVar:

NM_001127701.1(SERPINA1):c.1096G>A (p.Glu366Lys)

Gene: SERPINA1. ClinVar aggregate classification (germline): Pathogenic/Likely pathogenic; risk factor. Pathogenic (40); Likely pathogenic (1).

Submissions 43 to 59 of 59:

Diagnostics Centre, Carl Von Ossietzky University Oldenburg
Classification: Pathogenic. Last evaluated: 2025-12-19. Review status: no assertion criteria provided. Collection method: clinical testing. Allele origin: germline. Affected: yes. Observed: 1 variant allele. Not counted in ClinVar's aggregate classification.
Comment: The variant NM_000295.5 (SERPINA1): c.1096G>A p.(Glu366Lys) located in the exon 5 of the SERPINA1 gene results from a guanine-to-adenine substitution at nucleotide position c.1096. The glutamine at protein position 366 is replaced by a lycine. The variant is also described in the literature as p.Glu342Lys and the Z allele. It is the most common variant associated with alpha-1-antitrypsin deficiency (PMID: 15978931). In silico tools predict a significant deleterious effect in the protein structure/function (REVEL = 0.69). Experimental studies have shown a deleterious effect in protein function. (PMID: 25181470, 22735536, 19444872). It has been reported in affected individuals in both homozygous and compound heterozygous states (PMID: 23632999, 1889260). The variant described here has been classified as Likely pathogenic in 44 entries in ClinVar (ClinVar ID: 17967). The variant is classified as rare in the general population (MAF 1.6* e-2 in gnomAD). In summary, this variant is classified as Pathogenic.

Reproductive Health Research and Development, BGI Genomics
Classification: Pathogenic for Alpha-1-antitrypsin deficiency. Last evaluated: 2020-01-06. Review status: no assertion criteria provided. Collection method: curation. Allele origin: germline. Not counted in ClinVar's aggregate classification.
Comment: NM_000295.4:c.1096G>A (p.Glu366Lys) was reported as p.Glu342Lys, or the Z allele or PI*Z. It has an allele frequency of 0.018 in European (no Finnish) subpopulation in the gnomAD database. Functional studies demonstrate that that this variant plays as an inhibitor of neutrophil elastase and it forms polymers in the lung (PMID: 9569237), and alters the global structural dynamics of alpha-1-Antitrypsin (PMID: 25181470). The Glu342Lys accounts for 95% of all clinical cases of alpha-1-antitrypsin deficiency (PMID: 15978931). Pathogenic computational verdict because pathogenic predictions from DANN, DEOGEN2, EIGEN, FATHMM-MKL, MutationAssessor, MutationTaster, PrimateAI, REVEL and SIFT. Taken together, we interprete this variant as Pathogenic/Likely pathogenic. ACMG/AMP criteria applied: PS3; PS4; PP4; PP3; BS1.

OMIM
Classification: other for PI Z. Last evaluated: 2016-07-15. Review status: no assertion criteria provided. Collection method: literature only. Allele origin: germline. Not counted in ClinVar's aggregate classification.

Division of Human Genetics, Children's Hospital of Philadelphia
Classification: Pathogenic for Alpha-1-antitrypsin deficiency. Last evaluated: 2016-06-10. Review status: no assertion criteria provided. Collection method: research. Allele origin: germline. Study: CSER-PediSeq. Not counted in ClinVar's aggregate classification.

Department of Laboratory Medicine and Genetics, Trillium Health Partners Credit Valley Hospital
Classification: Pathogenic for Alpha-1-antitrypsin deficiency. Last evaluated: 2014-12-08. Review status: no assertion criteria provided. Collection method: clinical testing. Allele origin: germline. Affected: yes. Not counted in ClinVar's aggregate classification.
Comment: Reduced enzyme activity, 10%-20% of normal

Deficiency allele in cis with c.710T>C

Knight Diagnostic Laboratories, Oregon Health and Sciences University
Classification: Pathogenic for FRAXE. Last evaluated: 2014-07-29. Review status: no assertion criteria provided. Criteria: ACMG Guidelines, 2007. Collection method: clinical testing. Allele origin: germline. Inheritance: Autosomal recessive inheritance. Affected: no. Not counted in ClinVar's aggregate classification.

CSER _CC_NCGL, University of Washington
Classification: Pathogenic for Antitrypsin alpha 1 deficiency. Last evaluated: 2014-06-01. Review status: no assertion criteria provided. Collection method: research. Allele origin: germline. Inheritance: Autosomal recessive inheritance. Study: ESP 6500 variant annotation. Not counted in ClinVar's aggregate classification.
Comment: Variants classified for the Actionable exomic incidental findings in 6503 participants: challenges of variant classification manuscript

OMIM
Classification: other for PI Z(AUGSBURG). Last evaluated: 1994-12-01. Review status: no assertion criteria provided. Collection method: literature only. Allele origin: germline. Not counted in ClinVar's aggregate classification.

OMIM
Classification: other for PI Z(TUN). Last evaluated: 1994-12-01. Review status: no assertion criteria provided. Collection method: literature only. Allele origin: germline. Not counted in ClinVar's aggregate classification.

Clinical Genetics DNA and cytogenetics Diagnostics Lab, Erasmus MC, Erasmus Medical Center
Classification: Pathogenic. Review status: no assertion criteria provided. Collection method: clinical testing. Allele origin: germline. Affected: yes. Study: VKGL Data-share Consensus. Not counted in ClinVar's aggregate classification.

Department of Pathology and Laboratory Medicine, Sinai Health System
Classification: Pathogenic. Review status: no assertion criteria provided. Collection method: clinical testing. Allele origin: unknown. Affected: yes. Study: The Canadian Open Genetics Repository (COGR). Not counted in ClinVar's aggregate classification.
Comment: The SERPINA1 p.E366K variant (referred to as the PI*Z allele) is the most common cause of Alpha-1 antitrypsin deficiency (AATD), with 95% of AATD-related disease reported to be caused by PI*ZZ (homozygosity for the PI*Z allele) (Stoller_2017_PMID:20301692). Homozygosity for the PI*Z variant results in decreased plasma concentrations of alpha-1-antitrypsin (~20%) compared to wildtype (CalapoÆ’Ã¼lu_2009_PMID:19083091). The variant was identified in dbSNP (ID: rs28929474) and ClinVar (classified as pathogenic by Illumina, GeneDx, Ambry Genetics, Laboratory for Molecular Medicine, Invitae and 11 other laboratories). The variant was identified in control databases in 3176 of 282742 chromosomes (26 homozygous) at a frequency of 0.01123 (Genome Aggregation Database March 6, 2019, v2.1.1). The variant was observed in the following populations: European (non-Finnish) in 2369 of 129104 chromosomes (freq: 0.01835), European (Finnish) in 451 of 25112 chromosomes (freq: 0.01796), Other in 71 of 7220 chromosomes (freq: 0.009834), Ashkenazi Jewish in 87 of 10364 chromosomes (freq: 0.008394), Latino in 134 of 35410 chromosomes (freq: 0.003784), African in 62 of 24966 chromosomes (freq: 0.002483) and South Asian in 2 of 30616 chromosomes (freq: 0.000065), but was not observed in the East Asian population. The p.Glu366 residue is not conserved in mammals and computational analyses (PolyPhen-2, SIFT, AlignGVGD, BLOSUM, MutationTaster) provide inconsistent predictions regarding the impact to the protein. The variant occurs outside of the splicing consensus sequence and in silico or computational prediction software programs (SpliceSiteFinder, MaxEntScan, NNSPLICE, GeneSplicer) do not predict a difference in splicing. However, functional studies have demonstrated that the PI*Z variant disrupts the native structure of the protein and results in increased polymerization and lack of functional protein (Hughes_2014_PMID:25181470; Lomas_1992_PMID:1608473). In summary, based on the above information this variant meets our laboratoryâ€šÃ„Ã´s criteria to be classified as pathogenic.

Diagnostic Laboratory, Department of Genetics, University Medical Center Groningen
Classification: Pathogenic for Alpha-1-antitrypsin deficiency. Review status: no assertion criteria provided. Collection method: clinical testing. Allele origin: germline. Affected: yes. Study: VKGL Data-share Consensus. Not counted in ClinVar's aggregate classification.

GeneReviews
No classification provided. Condition: Alpha-1-antitrypsin deficiency. Review status: no classification provided. Collection method: literature only. Allele origin: germline. Affected: yes. Not counted in ClinVar's aggregate classification.

Genome Diagnostics Laboratory, University Medical Center Utrecht
Classification: Pathogenic. Review status: no assertion criteria provided. Collection method: clinical testing. Allele origin: germline. Affected: yes. Study: VKGL Data-share Consensus. Not counted in ClinVar's aggregate classification.

Genomics And Bioinformatics Analysis Resource, Columbia University
Classification: Pathogenic for Alpha-1-antitrypsin deficiency. Review status: no assertion criteria provided. Collection method: research. Allele origin: unknown. Affected: yes. Not counted in ClinVar's aggregate classification.

Joint Genome Diagnostic Labs from Nijmegen and Maastricht, Radboudumc and MUMC+
Classification: Pathogenic. Review status: no assertion criteria provided. Collection method: clinical testing. Allele origin: germline. Affected: yes. Study: VKGL Data-share Consensus. Not counted in ClinVar's aggregate classification.

Pneumogenomics Laboratory, Instituto Nacional de Enfermedades Respiratorias Ismael Cosio Villegas
Classification: Uncertain significance for Susceptibility to severe coronavirus disease (COVID-19). Last evaluated: 2022-05-13. Review status: flagged submission. Collection method: research. Allele origin: germline. Affected: yes. Not counted in ClinVar's aggregate classification.
ClinVar note: Reason: Outlier claim with insufficient supporting evidence

Literature cited by the submitters: PubMed 19398551 (cited by 3 submitters); PubMed 3500183 (cited by 4 submitters); PubMed 2904702 (cited by 4 submitters); PubMed 20301692 (cited by 7 submitters); PubMed 29644095 (cited by 3 submitters); PubMed 29618937 (cited by OLLIN Analises Genomicas, OLLIN and Dasa); PubMed 26987331 (cited by 3 submitters); PubMed 19083091 (cited by 4 submitters); PubMed 15978931 (cited by 6 submitters); PubMed 22933512 (cited by 3 submitters); PubMed 2185272 (cited by Ambry Genetics); PubMed 8970361 (cited by Ambry Genetics and Eurofins Ntd Llc (ga)); PubMed 11778003 (cited by Ambry Genetics); PubMed 18024524 (cited by Ambry Genetics); PubMed 18183837 (cited by Ambry Genetics); PubMed 18187064 (cited by Ambry Genetics); PubMed 19164889 (cited by Ambry Genetics); PubMed 22426792 (cited by 4 submitters); PubMed 23632999 (cited by 4 submitters); PubMed 1889260 (cited by 3 submitters); PubMed 9569237 (cited by Labcorp Genetics (formerly Invitae), Labcorp and Women's Health and Genetics/Laboratory Corporation of America, LabCorp); PubMed 12034572 (cited by Labcorp Genetics (formerly Invitae), Labcorp and Women's Health and Genetics/Laboratory Corporation of America, LabCorp); PubMed 22735536 (cited by 4 submitters); PubMed 25181470 (cited by 7 submitters); PubMed 6306478 (cited by 4 submitters); PubMed 24592811 (cited by Women's Health and Genetics/Laboratory Corporation of America, LabCorp and AiLife Diagnostics); PubMed 32699024 (cited by Women's Health and Genetics/Laboratory Corporation of America, LabCorp); PubMed 27246852 (cited by Women's Health and Genetics/Laboratory Corporation of America, LabCorp and AiLife Diagnostics).